The following is an entry in ClinVar:

NM_001211.6(BUB1B):c.1478C>T (p.Thr493Ile)

Gene: BUB1B (BUB1 mitotic checkpoint serine/threonine kinase B; plus strand). Cytogenetic location: 15q15.1.
Variant type: single nucleotide variant.
Coding change: c.1478C>T on transcript NM_001211.6 (MANE Select); coding-DNA position 1478, C replaced by T.
Protein change: p.Thr493Ile; replaces threonine 493 with isoleucine.
Molecular consequence: missense variant.
Genome position (GRCh38, 1-based): chr15:40,200,320, C>T. VCF-style: chr15-40200320-C-T. GRCh37 (hg19) VCF-style: chr15-40492521-C-T.
Other names: short protein forms T493I.
Identifiers: ClinVar variation 133767 (VCV000133767.15), dbSNP rs146795655, ClinGen allele CA157750.
Genomic context (GRCh38, chr15:40,200,320, plus strand): 5'-CTACAAAGGAGACAACTAAACTGCAAATTGCTTCCGAGTCTCAGAAAATACCAGGAATGA[C>T]TCTATCCAGTTCTGTTTGTCAAGTAAACTGTTGTGCCAGGTAAGACTACATAGGTGGAAG-3'
Protein context (NP_001202.5, residues 483-503): ASESQKIPGM[Thr493Ile]LSSSVCQVNC

ClinVar aggregate classification (germline): Uncertain significance. Review status: criteria provided, multiple submitters, no conflicts (2 of 4 stars). 5 submissions from 4 submitters: Uncertain significance (4). 1 of the submissions does not count toward it. Last evaluated 2026-01-11.

Conditions:
Mosaic variegated aneuploidy syndrome 1 (MVA1). Also called: Warburton-Anyane-Yeboa syndrome. Identifiers: Orphanet 1052, MedGen C1850343, MONDO:0009759, OMIM 257300.
Premature chromatid separation trait (PCS). Also called: TOTAL PREMATURE CHROMATID SEPARATION TRAIT. Identifiers: MedGen C1864389, MONDO:0008304, OMIM 176430.
Colorectal cancer. Also called: Malignant Colorectal Neoplasm; Colorectal cancer, somatic. Identifiers: MedGen C0346629, MONDO:0005575, OMIM 114500.
Carcinoma of colon (CRC). Also called: Colonic carcinoma; Colon carcinoma. Identifiers: MedGen C0699790, MONDO:0002032.

Allele frequency attached by ClinVar (database versions not stated): ExAC 0.00013; ESP Exome Variant Server 0.00023; gnomAD 0.00011 and 0.00013; TOPMed 0.00013; gnomAD exomes 0.00017 and 0.00014.
gnomAD v4.1: 264 of 1,613,942 alleles (0.016%); highest among the groups gnomAD compares: Middle Eastern, 0.099%; no homozygotes.

Submissions (5):

Labcorp Genetics (formerly Invitae), Labcorp
Classification: Uncertain significance for Mosaic variegated aneuploidy syndrome 1. Last evaluated: 2026-01-11. Review status: criteria provided, single submitter. Criteria: Invitae Variant Classification Sherloc (09022015). Collection method: clinical testing. Allele origin: germline.
Comment: This sequence change replaces threonine, which is neutral and polar, with isoleucine, which is neutral and non-polar, at codon 493 of the BUB1B protein (p.Thr493Ile). This variant is present in population databases (rs146795655, gnomAD 0.02%). This variant has not been reported in the literature in individuals affected with BUB1B-related conditions. ClinVar contains an entry for this variant (Variation ID: 133767). An algorithm developed to predict the effect of missense changes on protein structure and function (PolyPhen-2) suggests that this variant is likely to be tolerated. In summary, the available evidence is currently insufficient to determine the role of this variant in disease. Therefore, it has been classified as a Variant of Uncertain Significance.

Fulgent Genetics
Classification: Uncertain significance for Colorectal cancer; Premature chromatid separation trait; Mosaic variegated aneuploidy syndrome 1. Last evaluated: 2024-05-15. Review status: criteria provided, single submitter. Criteria: ACMG Guidelines, 2015. Collection method: clinical testing. Allele origin: germline.

GeneDx
Classification: Uncertain significance. Last evaluated: 2019-05-20. Review status: criteria provided, single submitter. Criteria: GeneDx Variant Classification Process June 2021. Collection method: clinical testing. Allele origin: germline. Affected: yes.
Comment: In silico analysis, which includes protein predictors and evolutionary conservation, supports that this variant does not alter protein structure/function; This variant is associated with the following publications: (PMID: 27331020, 24728327)

Fulgent Genetics
Classification: Uncertain significance for Colorectal cancer; Premature chromatid separation trait; Mosaic variegated aneuploidy syndrome 1. Last evaluated: 2018-10-31. Review status: criteria provided, single submitter. Criteria: ACMG Guidelines, 2015. Collection method: clinical testing. Allele origin: unknown.

ITMI
No classification provided. Condition: AllHighlyPenetrant. Last evaluated: 2013-09-19. Review status: no classification provided. Collection method: reference population. Allele origin: germline. Not counted in ClinVar's aggregate classification.
Comment: Please see associated publication for description of ethnicities

Literature cited by the submitters: PubMed 24728327 (cited by ITMI).